The following is an entry in ClinVar:

NM_000038.6(APC):c.6860G>A (p.Arg2287Lys)

Gene: APC (APC regulator of Wnt signaling pathway; plus strand). Cytogenetic location: 5q22.2.
Variant type: single nucleotide variant.
Coding change: c.6860G>A on transcript NM_000038.6 (MANE Select); coding-DNA position 6860, G replaced by A.
Protein change: p.Arg2287Lys; replaces arginine 2287 with lysine.
Molecular consequence: missense variant.
Genome position (GRCh38, 1-based): chr5:112,842,454, G>A. VCF-style: chr5-112842454-G-A. GRCh37 (hg19) VCF-style: chr5-112178151-G-A.
Other names: c.6860G>A, p.Arg2287Lys (NM_001127510.3, NM_001354895.2); c.6806G>A, p.Arg2269Lys (NM_001127511.3); c.6914G>A, p.Arg2305Lys (NM_001354896.2); c.6890G>A, p.Arg2297Lys (NM_001354897.2); c.6785G>A, p.Arg2262Lys (NM_001354898.2); c.6776G>A, p.Arg2259Lys (NM_001354899.2); c.6737G>A, p.Arg2246Lys (NM_001354900.2); c.6683G>A, p.Arg2228Lys (NM_001354901.2); and 5 more; short protein forms R2269K, R2287K, R2004K, R2127K, R2161K, R2228K, R2259K, R2297K.
Identifiers: ClinVar variation 232068 (VCV000232068.15), dbSNP rs876659534, ClinGen allele CA10578436.

ClinVar aggregate classification (germline): Uncertain significance. Review status: criteria provided, multiple submitters, no conflicts (2 of 4 stars). 2 submissions from 2 submitters: Uncertain significance (2). Last evaluated 2022-08-10.

Conditions:
Hereditary cancer-predisposing syndrome. Also called: Neoplastic Syndromes, Hereditary; Tumor predisposition; Hereditary Cancer Syndrome; Hereditary neoplastic syndrome. Identifiers: Orphanet 140162, MedGen C0027672, MeSH D009386, MONDO:0015356.
Familial adenomatous polyposis 1 (FAP1). Also called: FAMILIAL ADENOMATOUS POLYPOSIS 1, ATTENUATED; POLYPOSIS, ADENOMATOUS INTESTINAL. Identifiers: MedGen C2713442, MONDO:0021056, OMIM 175100. Disease mechanism: loss of function.

Submissions (2):

Labcorp Genetics (formerly Invitae), Labcorp
Classification: Uncertain significance for Familial adenomatous polyposis 1. Last evaluated: 2022-08-10. Review status: criteria provided, single submitter. Criteria: Invitae Variant Classification Sherloc (09022015). Collection method: clinical testing. Allele origin: germline.
Comment: This sequence change replaces arginine, which is basic and polar, with lysine, which is basic and polar, at codon 2287 of the APC protein (p.Arg2287Lys). This variant is not present in population databases (gnomAD no frequency). In summary, the available evidence is currently insufficient to determine the role of this variant in disease. Therefore, it has been classified as a Variant of Uncertain Significance. Algorithms developed to predict the effect of missense changes on protein structure and function output the following: SIFT: "Tolerated"; PolyPhen-2: "Benign"; Align-GVGD: "Class C0". The lysine amino acid residue is found in multiple mammalian species, which suggests that this missense change does not adversely affect protein function. ClinVar contains an entry for this variant (Variation ID: 232068). This variant has not been reported in the literature in individuals affected with APC-related conditions.

Ambry Genetics
Classification: Uncertain significance for Hereditary cancer-predisposing syndrome. Last evaluated: 2015-06-01. Review status: criteria provided, single submitter. Criteria: Ambry Variant Classification Scheme 2023. Collection method: clinical testing. Allele origin: germline.
Comment: The p.R2287K variant (also known as c.6860G>A), located in coding exon 15 of the APC gene, results from a G to A substitution at nucleotide position 6860. The arginine at codon 2287 is replaced by lysine, an amino acid with highly similar properties. This variant was not reported in population based cohorts in the following databases: Database of Single Nucleotide Polymorphisms (dbSNP), NHLBI Exome Sequencing Project (ESP), and 1000 Genomes Project. In the ESP, this variant was not observed in 6502 samples (13004 alleles) with coverage at this position. To date, this alteration has been detected with an allele frequency of approximately 0.003% (greater than 32000 alleles tested) in our clinical cohort. This amino acid position is well conserved in available vertebrate species. In addition, in silico predictors for this gene do not accurately predict pathogenicity. Since supporting evidence is limited at this time, the clinical significance of p.R2287K remains unclear.